The following is an entry in ClinVar:

ClinVar aggregate classification (germline): Pathogenic (1 of 4 stars; one submission).

Conditions:
Developmental and epileptic encephalopathy, 9 (DEE9). Also called: Early infantile epileptic encephalopathy 9; EPILEPSY, FEMALE-RESTRICTED, WITH MENTAL RETARDATION; JUBERG-HELLMAN SYNDROME; PCDH19-Related X-Linked Female-Limited Epilepsy with Mental Retardation. Identifiers: Orphanet 101039, Orphanet 2076, MedGen C1848137, MONDO:0010246, OMIM 300088. Disease mechanism: loss of function.

Submission:

Labcorp Genetics (formerly Invitae), Labcorp
Classification: Pathogenic for Developmental and epileptic encephalopathy, 9. Last evaluated: 2023-09-22. Review status: criteria provided, single submitter. Criteria: Invitae Variant Classification Sherloc (09022015). Collection method: clinical testing. Allele origin: germline.
Comment: This sequence change creates a premature translational stop signal (p.Lys120Argfs*3) in the PCDH19 gene. It is expected to result in an absent or disrupted protein product. Loss-of-function variants in PCDH19 are known to be pathogenic (PMID: 21053371). This variant is not present in population databases (gnomAD no frequency). This premature translational stop signal has been observed in individual(s) with female-limited epilepsy and cognitive impairment (PMID: 18469813). This variant is also known as 357delC (I119fsX122). For these reasons, this variant has been classified as Pathogenic.

Literature cited by the submitters: PubMed 21053371; PubMed 18469813.

NM_001184880.2(PCDH19):c.357del (p.Lys120fs)

Gene: PCDH19 (protocadherin 19; minus strand). Cytogenetic location: Xq22.1.
Variant type: Deletion.
Coding change: c.357del on transcript NM_001184880.2 (MANE Select); coding-DNA position 357, one base deleted (C; older notation c.357delC).
Protein change: p.Lys120fs; shifts the reading frame from lysine 120.
Molecular consequence: frameshift variant.
Genome position (GRCh38, 1-based): chrX:100,408,241, G deleted on the plus strand (C on the coding strand, the reverse complement: PCDH19 is on the minus strand). VCF-style (leftmost placement, unchanged base first): chrX-100408240-TG-T. GRCh37 (hg19) VCF-style: chrX-99663238-TG-T.
Other names: c.357del, p.Lys120fs (NM_001105243.2, NM_020766.3); short protein forms K120fs.
Identifiers: ClinVar variation 2737281 (VCV002737281.3), dbSNP rs2520995383, ClinGen allele CA2695234743.